The following is an entry in ClinVar:

NM_001048174.2(MUTYH):c.1330G>A (p.Gly444Ser)

Gene: MUTYH (mutY DNA glycosylase; minus strand). Cytogenetic location: 1p34.1.
Variant type: single nucleotide variant.
Coding change: c.1330G>A on transcript NM_001048174.2 (MANE Select); coding-DNA position 1330, G replaced by A.
Protein change: p.Gly444Ser; replaces glycine 444 with serine.
Molecular consequence: missense variant. On other transcripts: non-coding transcript variant (2).
Genome position (GRCh38, 1-based): chr1:45,331,244, C>T on the plus strand (G>A on the coding strand, the complement: MUTYH is on the minus strand). VCF-style: chr1-45331244-C-T. GRCh37 (hg19) VCF-style: chr1-45796916-C-T.
Other names: c.1330G>A, p.Gly444Ser (NM_001048171.2, NM_001048173.2, NM_001293195.2); c.1333G>A, p.Gly445Ser (NM_001048172.2); c.1414G>A, p.Gly472Ser (NM_001128425.2); c.1375G>A, p.Gly459Ser (NM_001293190.2); c.1363G>A, p.Gly455Ser (NM_001293191.2); c.1054G>A, p.Gly352Ser (NM_001293192.2, NM_001293196.2); c.985G>A, p.Gly329Ser (NM_001350650.2, NM_001350651.2); c.1405G>A, p.Gly469Ser (NM_012222.3); short protein forms G472S, G352S, G455S, G329S, G444S, G459S, G469S, G445S.
Identifiers: ClinVar variation 185966 (VCV000185966.20), dbSNP rs758262369, ClinGen allele CA012721.

ClinVar aggregate classification (germline): Uncertain significance. Review status: criteria provided, multiple submitters, no conflicts (2 of 4 stars). 4 submissions from 4 submitters: Uncertain significance (4). Last evaluated 2025-04-04.

Conditions:
Hereditary cancer-predisposing syndrome. Also called: Neoplastic Syndromes, Hereditary; Tumor predisposition; Hereditary Cancer Syndrome; Hereditary neoplastic syndrome. Identifiers: Orphanet 140162, MedGen C0027672, MeSH D009386, MONDO:0015356.
Familial adenomatous polyposis 2. Also called: Adenomas, multiple colorectal; COLORECTAL ADENOMATOUS POLYPOSIS, AUTOSOMAL RECESSIVE; ADENOMAS, MULTIPLE COLORECTAL, AUTOSOMAL RECESSIVE; MYH-associated polyposis; MUTYH Polyposis; FAP type 2. Identifiers: Orphanet 220460, Orphanet 247798, MedGen C3272841, MONDO:0012041, OMIM 608456.

gnomAD v4.1: 2 of 1,614,228 alleles (0.00012%); highest among the groups gnomAD compares: Non-Finnish European, 0.00017%; no homozygotes.

Submissions (4):

Ambry Genetics
Classification: Uncertain significance for Hereditary cancer-predisposing syndrome. Last evaluated: 2025-04-04. Review status: criteria provided, single submitter. Criteria: Ambry Variant Classification Scheme 2023. Collection method: clinical testing. Allele origin: germline.
Comment: The p.G472S variant (also known as c.1414G>A), located in coding exon 14 of the MUTYH gene, results from a G to A substitution at nucleotide position 1414. The glycine at codon 472 is replaced by serine, an amino acid with similar properties. This amino acid position is not well conserved in available vertebrate species. In addition, the in silico prediction for this alteration is inconclusive. Since supporting evidence is limited at this time, the clinical significance of this alteration remains unclear.

Labcorp Genetics (formerly Invitae), Labcorp
Classification: Uncertain significance for Familial adenomatous polyposis 2. Last evaluated: 2025-03-19. Review status: criteria provided, single submitter. Criteria: Invitae Variant Classification Sherloc (09022015). Collection method: clinical testing. Allele origin: germline.
Comment: This sequence change replaces glycine, which is neutral and non-polar, with serine, which is neutral and polar, at codon 472 of the MUTYH protein (p.Gly472Ser). This variant is present in population databases (rs758262369, gnomAD 0.0009%). This variant has not been reported in the literature in individuals affected with MUTYH-related conditions. ClinVar contains an entry for this variant (Variation ID: 185966). An algorithm developed to predict the effect of missense changes on protein structure and function (PolyPhen-2) suggests that this variant is likely to be tolerated. In summary, the available evidence is currently insufficient to determine the role of this variant in disease. Therefore, it has been classified as a Variant of Uncertain Significance.

All of Us Research Program, National Institutes of Health
Classification: Uncertain significance for Familial adenomatous polyposis 2. Last evaluated: 2024-07-10. Review status: criteria provided, single submitter. Criteria: ACMG Guidelines, 2015. Collection method: clinical testing. Allele origin: germline. Inheritance: Autosomal recessive inheritance. Observed: 1 variant allele, 1 heterozygote.
Comment: This study involves interpretation of variants in research participants for the purpose of population health screening. Participant phenotype was not available at the time of variant classification. Additional details can be found in publication PMID: 35346344, PMCID: PMC8962531

Color Diagnostics, LLC DBA Color Health
Classification: Uncertain significance for Hereditary cancer-predisposing syndrome. Last evaluated: 2019-06-07. Review status: criteria provided, single submitter. Criteria: ACMG Guidelines, 2015. Collection method: clinical testing. Allele origin: germline.